The following is an entry in ClinVar:

NM_014915.3(ANKRD26):c.2341A>G (p.Lys781Glu)

Gene: ANKRD26 (ankyrin repeat domain 26; minus strand). Cytogenetic location: 10p12.1.
Variant type: single nucleotide variant.
Coding change: c.2341A>G on transcript NM_014915.3 (MANE Select); coding-DNA position 2341, A replaced by G.
Protein change: p.Lys781Glu; replaces lysine 781 with glutamic acid.
Molecular consequence: missense variant.
Genome position (GRCh38, 1-based): chr10:27,039,999, T>C on the plus strand (A>G on the coding strand, the complement: ANKRD26 is on the minus strand). VCF-style: chr10-27039999-T-C. GRCh37 (hg19) VCF-style: chr10-27328928-T-C.
Other names: c.2338A>G, p.Lys780Glu (NM_001256053.2); short protein forms K781E, K780E.
Identifiers: ClinVar variation 4578939 (VCV004578939.1).

ClinVar aggregate classification (germline): Uncertain significance (1 of 4 stars; one submission).

Conditions:
Inborn genetic diseases. Identifiers: MedGen C0950123, MeSH D030342.

Submission:

Ambry Genetics
Classification: Uncertain significance for Inborn genetic diseases. Last evaluated: 2025-09-26. Review status: criteria provided, single submitter. Criteria: Ambry Variant Classification Scheme 2023. Collection method: clinical testing. Allele origin: germline.
Comment: The p.K781E variant (also known as c.2341A>G), located in coding exon 21 of the ANKRD26 gene, results from an A to G substitution at nucleotide position 2341. The lysine at codon 781 is replaced by glutamic acid, an amino acid with similar properties. This amino acid position is conserved. In addition, this alteration is predicted to be tolerated by in silico analysis. Based on the available evidence, the clinical significance of this variant remains unclear.